The following is an entry in ClinVar:

ClinVar aggregate classification (germline): Uncertain significance (1 of 4 stars; one submission).

Conditions:
Pitt-Hopkins-like syndrome 2 (PTHSL2). Identifiers: Orphanet 221150, Orphanet 600663, MedGen C3280479, MONDO:0013690, OMIM 614325.

Submission:

Labcorp Genetics (formerly Invitae), Labcorp
Classification: Uncertain significance for Pitt-Hopkins-like syndrome 2. Last evaluated: 2022-09-02. Review status: criteria provided, single submitter. Criteria: Invitae Variant Classification Sherloc (09022015). Collection method: clinical testing. Allele origin: germline.
Comment: This sequence change replaces aspartic acid, which is acidic and polar, with glycine, which is neutral and non-polar, at codon 1065 of the NRXN1 protein (p.Asp1065Gly). This variant is not present in population databases (gnomAD no frequency). This variant has not been reported in the literature in individuals affected with NRXN1-related conditions. Algorithms developed to predict the effect of missense changes on protein structure and function are either unavailable or do not agree on the potential impact of this missense change (SIFT: "Tolerated"; PolyPhen-2: "Possibly Damaging"; Align-GVGD: "Class C0"). In summary, the available evidence is currently insufficient to determine the role of this variant in disease. Therefore, it has been classified as a Variant of Uncertain Significance.

NM_001330078.2(NRXN1):c.3074A>G (p.Asp1025Gly)

Gene: NRXN1 (neurexin 1; minus strand). Cytogenetic location: 2p16.3.
Variant type: single nucleotide variant.
Coding change: c.3074A>G on transcript NM_001330078.2 (MANE Select); coding-DNA position 3074, A replaced by G.
Protein change: p.Asp1025Gly; replaces aspartic acid 1025 with glycine.
Molecular consequence: missense variant.
Genome position (GRCh38, 1-based): chr2:50,472,468, T>C on the plus strand (A>G on the coding strand, the complement: NRXN1 is on the minus strand). VCF-style: chr2-50472468-T-C. GRCh37 (hg19) VCF-style: chr2-50699606-T-C.
Other names: c.3194A>G, p.Asp1065Gly (NM_001135659.3); c.3050A>G, p.Asp1017Gly (NM_001330077.2, NM_001330082.2); c.3008A>G, p.Asp1003Gly (NM_001330083.2, NM_001330084.2); c.3047A>G, p.Asp1016Gly (NM_001330085.2); c.3074A>G, p.Asp1025Gly (NM_001330086.2, NM_004801.6); c.2963A>G, p.Asp988Gly (NM_001330087.2, NM_001330096.2); c.2993A>G, p.Asp998Gly (NM_001330088.2); c.3071A>G, p.Asp1024Gly (NM_001330093.2); and 2 more; short protein forms D1017G, D1021G, D1003G, D1016G, D1065G, D988G, D1008G, D1025G.
Identifiers: ClinVar variation 2004846 (VCV002004846.4), dbSNP rs2468656784, ClinGen allele CA346772977.